The following is an entry in ClinVar:

NM_000059.4(BRCA2):c.5319_5342del (p.Glu1773_Glu1780del)

Gene: BRCA2 (BRCA2 DNA repair associated; plus strand). Cytogenetic location: 13q13.1.
Variant type: Deletion.
Coding change: c.5319_5342del on transcript NM_000059.4 (MANE Select); coding-DNA positions 5319 to 5342, 24 bases deleted (GCCAGTATTGAAGAATGTTGAAGA).
Protein change: p.Glu1773_Glu1780del.
Molecular consequence: inframe deletion.
Genome position (GRCh38, 1-based): chr13:32,339,674-32,339,697, GCCAGTATTGAAGAATGTTGAAGA deleted; deleting any 24 consecutive bases within chr13:32,339,672-32,339,697 gives the same sequence; the c. name uses the placement nearest the transcript's 3' end. VCF-style (leftmost placement, unchanged base first): chr13-32339671-TGAGCCAGTATTGAAGAATGTTGAA-T. GRCh37 (hg19) VCF-style: chr13-32913808-TGAGCCAGTATTGAAGAATGTTGAA-T.
Other names: c.5319_5342del24 (NM_000059.3); c.5319_5342del (NM_000059.3).
Identifiers: ClinVar variation 825643 (VCV000825643.16), dbSNP rs1593905133, ClinGen allele CA915948489.

ClinVar aggregate classification (germline): Uncertain significance. Review status: criteria provided, multiple submitters, no conflicts (2 of 4 stars). 4 submissions from 4 submitters: Uncertain significance (4). Last evaluated 2025-11-14.

Conditions:
Hereditary cancer-predisposing syndrome. Also called: Hereditary Cancer Syndrome; Hereditary neoplastic syndrome; Neoplastic Syndromes, Hereditary; Tumor predisposition. Identifiers: Orphanet 140162, MedGen C0027672, MeSH D009386, MONDO:0015356.
Familial cancer of breast. Also called: Hereditary breast cancer; hereditary breast carcinoma; BREAST CANCER, FAMILIAL. Identifiers: Orphanet 227535, MedGen C0346153, MONDO:0016419, OMIM 114480. Disease mechanism: loss of function.
Breast-ovarian cancer, familial, susceptibility to, 2 (BROVCA2). Also called: BRCA2 Hereditary Breast and Ovarian Cancer. Identifiers: Orphanet 145, MedGen C2675520, MONDO:0012933, OMIM 612555. Disease mechanism: loss of function.
Medulloblastoma (MDB). Also called: MEDULLOBLASTOMA PREDISPOSITION SYNDROME; Medulloblastoma, somatic. Identifiers: Orphanet 616, MedGen C0025149, MeSH D008527, MONDO:0007959, OMIM 155255, HP:0002885.
Wilms tumor 1 (WT1). Also called: Wilms tumor, somatic. Identifiers: Orphanet 654, MedGen CN033288, MONDO:0008679, OMIM 194070.
Fanconi anemia complementation group D1. Also called: BRCA2-Related Fanconi Anemia. Identifiers: Orphanet 319462, MedGen C1838457, MONDO:0011584, OMIM 605724.
Pancreatic cancer, susceptibility to, 2. Identifiers: Orphanet 1333, MedGen C3150546, MONDO:0013235, OMIM 613347.
Glioma susceptibility 3 (GLM3). Also called: Glioblastoma 3. Identifiers: Orphanet 182067, Orphanet 360, MedGen C2751641, MONDO:0013093, OMIM 613029.
Familial prostate cancer. Also called: Hereditary Prostate Cancer. Identifiers: MedGen C2931456, MONDO:0700275, OMIM 176807.
Hereditary breast ovarian cancer syndrome. Also called: Hereditary breast and/or ovarian cancer syndrome; Hereditary breast and ovarian cancer syndrome; Hereditary breast and ovarian cancer syndrome (HBOC); BRCA1- and BRCA2-Associated Hereditary Breast and Ovarian Cancer; Hereditary breast and ovarian cancer; Breast and ovarian cancer. Identifiers: Orphanet 145, MedGen C0677776, MeSH D061325, MONDO:0003582. Disease mechanism: loss of function.

Submissions (4):

Ambry Genetics
Classification: Uncertain significance for Hereditary cancer-predisposing syndrome. Last evaluated: 2025-11-14. Review status: criteria provided, single submitter. Criteria: Ambry Variant Classification Scheme 2023. Collection method: clinical testing. Allele origin: germline.
Comment: The c.5319_5342del24 variant (also known as p.E1773_E1780del) is located in coding exon 10 of the BRCA2 gene. This variant results from an in-frame deletion of 24 nucleotides at nucleotide positions 5319 to 5342. This results in the deletion of 8 amino acids (EPVLKNVE) between codons 1773 and 1780. This amino acid region is well conserved in available vertebrate species. In addition, this variant is predicted to be deleterious by in silico analysis (Choi Y et al. PLoS ONE. 2012; 7(10):e46688). Based on the available evidence, the clinical significance of this variant remains unclear.

Fulgent Genetics
Classification: Uncertain significance for Familial cancer of breast; Medulloblastoma; Familial prostate cancer; Wilms tumor 1; Fanconi anemia complementation group D1; Breast-ovarian cancer, familial, susceptibility to, 2; Glioma susceptibility 3; Pancreatic cancer, susceptibility to, 2. Last evaluated: 2024-05-08. Review status: criteria provided, single submitter. Criteria: ACMG Guidelines, 2015. Collection method: clinical testing. Allele origin: germline.

Women's Health and Genetics/Laboratory Corporation of America, LabCorp
Classification: Uncertain significance. Last evaluated: 2021-11-08. Review status: criteria provided, single submitter. Criteria: LabCorp Variant Classification Summary - May 2015. Collection method: clinical testing. Allele origin: germline.
Comment: Variant summary: BRCA2 c.5319_5342del24 (p.Glu1773_Glu1780del) results in an in-frame deletion that is predicted to remove 8 amino acids from the encoded protein, none of which are within any functional domains of the full length BRCA2 protein. The variant was absent in 250554 control chromosomes. To our knowledge, no occurrence of c.5319_5342del24 in individuals affected with Hereditary Breast And Ovarian Cancer Syndrome and no experimental evidence demonstrating its impact on protein function have been reported. Two clinical diagnostic laboratories have submitted clinical-significance assessments for this variant to ClinVar after 2014 without evidence for independent evaluation. Both submitters classified the variant as uncertain significance. Based on the evidence outlined above, the variant was classified as of uncertain significance.

Labcorp Genetics (formerly Invitae), Labcorp
Classification: Uncertain significance for Hereditary breast ovarian cancer syndrome. Last evaluated: 2020-09-16. Review status: criteria provided, single submitter. Criteria: Invitae Variant Classification Sherloc (09022015). Collection method: clinical testing. Allele origin: germline.
Comment: In summary, the available evidence is currently insufficient to determine the role of this variant in disease. Therefore, it has been classified as a Variant of Uncertain Significance. Experimental studies and prediction algorithms are not available or were not evaluated, and the functional significance of this variant is currently unknown. This variant has not been reported in the literature in individuals with BRCA2-related conditions. ClinVar contains an entry for this variant (Variation ID: 825643). This variant is not present in population databases (ExAC no frequency). This variant, c.5319_5342del, results in the deletion of 8 amino acid(s) of the BRCA2 protein (p.Glu1773_Glu1780del), but otherwise preserves the integrity of the reading frame.